The following is an entry in ClinVar:

ClinVar aggregate classification (germline): Uncertain significance. Review status: criteria provided, multiple submitters, no conflicts (2 of 4 stars). 2 submissions from 2 submitters: Uncertain significance (2). Last evaluated 2025-06-12.

Submissions (2):

GeneDx
Classification: Uncertain significance. Last evaluated: 2025-06-12. Review status: criteria provided, single submitter. Criteria: GeneDx Variant Classification Process June 2021. Collection method: clinical testing. Allele origin: germline. Affected: yes.
Comment: Not observed at significant frequency in large population cohorts (gnomAD); In silico analysis supports that this missense variant has a deleterious effect on protein structure/function; In silico analysis supports a deleterious effect on splicing; Has not been previously published as pathogenic or benign to our knowledge

Labcorp Genetics (formerly Invitae), Labcorp
Classification: Uncertain significance. Last evaluated: 2023-08-16. Review status: criteria provided, single submitter. Criteria: Invitae Variant Classification Sherloc (09022015). Collection method: clinical testing. Allele origin: germline.
Comment: In summary, the available evidence is currently insufficient to determine the role of this variant in disease. Therefore, it has been classified as a Variant of Uncertain Significance. An algorithm developed to predict the effect of missense changes on protein structure and function (PolyPhen-2) suggests that this variant is likely to be disruptive. This sequence change replaces arginine, which is basic and polar, with tryptophan, which is neutral and slightly polar, at codon 1210 of the MYH9 protein (p.Arg1210Trp). This variant is not present in population databases (gnomAD no frequency). This variant has not been reported in the literature in individuals affected with MYH9-related conditions. Algorithms developed to predict the effect of sequence changes on RNA splicing suggest that this variant may create or strengthen a splice site.

NM_002473.6(MYH9):c.3628C>T (p.Arg1210Trp)

Gene: MYH9 (myosin heavy chain 9; minus strand). Cytogenetic location: 22q12.3.
Variant type: single nucleotide variant.
Coding change: c.3628C>T on transcript NM_002473.6 (MANE Select); coding-DNA position 3628, C replaced by T.
Protein change: p.Arg1210Trp; replaces arginine 1210 with tryptophan.
Molecular consequence: missense variant.
Genome position (GRCh38, 1-based): chr22:36,294,934, G>A on the plus strand (C>T on the coding strand, the complement: MYH9 is on the minus strand). VCF-style: chr22-36294934-G-A. GRCh37 (hg19) VCF-style: chr22-36690980-G-A.
Other names: c.3628C>T (NM_002473.4); short protein forms R1210W.
Identifiers: ClinVar variation 2735947 (VCV002735947.4), dbSNP rs2517962382, ClinGen allele CA411387219.